The following is an entry in ClinVar:

NM_017649.5(CNNM2):c.1734A>C (p.Lys578Asn)

Gene: CNNM2 (cyclin and CBS domain divalent metal cation transport mediator 2; plus strand). Cytogenetic location: 10q24.32.
Variant type: single nucleotide variant.
Coding change: c.1734A>C on transcript NM_017649.5 (MANE Select); coding-DNA position 1734, A replaced by C.
Protein change: p.Lys578Asn; replaces lysine 578 with asparagine.
Molecular consequence: missense variant.
Genome position (GRCh38, 1-based): chr10:103,049,819, A>C. VCF-style: chr10-103049819-A-C. GRCh37 (hg19) VCF-style: chr10-104809576-A-C.
Other names: c.1734A>C, p.Lys578Asn (NM_199076.3); short protein forms K578N.
Identifiers: ClinVar variation 421679 (VCV000421679.2), dbSNP rs1064795292, ClinGen allele CA16618926.

ClinVar aggregate classification (germline): Uncertain significance (1 of 4 stars; one submission).

Submission:

GeneDx
Classification: Uncertain significance. Last evaluated: 2016-07-15. Review status: criteria provided, single submitter. Criteria: GeneDx Variant Classification (06012015). Collection method: clinical testing. Allele origin: germline. Affected: yes.
Comment: The K578N variant in the CNNM2 gene has not been reported previously as a pathogenic variant, nor as a benign variant, to our knowledge. The K578N variant was not observed in approximately 6,000 individuals of European and African American ancestry in the NHLBI Exome Sequencing Project, indicating it is not a common benign variant in these populations. The K578N variant is a semi-conservative amino acid substitution, which may impact secondary protein structure as these residues differ in some properties. This substitution occurs at a position that is highly conserved across species. In silico analysis predicts this variant is probably damaging to the protein structure/function. We interpret K578N as a variant of uncertain significance.